The following is an entry in ClinVar:

NM_003673.4(TCAP):c.136_137del (p.Gln46fs)

Gene: TCAP (titin-cap; plus strand). Cytogenetic location: 17q12.
Variant type: Deletion.
Coding change: c.136_137del on transcript NM_003673.4 (MANE Select); coding-DNA positions 136 to 137, 2 bases deleted (CA; older notation c.136_137delCA).
Protein change: p.Gln46fs; shifts the reading frame from glutamine 46.
Molecular consequence: frameshift variant.
Genome position (GRCh38, 1-based): chr17:39,665,741-39,665,742, CA deleted. VCF-style (leftmost placement, unchanged base first): chr17-39665740-CCA-C. GRCh37 (hg19) VCF-style: chr17-37821993-CCA-C.
Other names: short protein forms Q46fs.
Identifiers: ClinVar variation 835598 (VCV000835598.10), dbSNP rs2057249899, ClinGen allele CA916080659.

ClinVar aggregate classification (germline): Pathogenic (1 of 4 stars; one submission).

Conditions:
Hypertrophic cardiomyopathy 25 (CMH25). Also called: CARDIOMYOPATHY, FAMILIAL HYPERTROPHIC, 25. Identifiers: MedGen C4225408, MONDO:0011843, OMIM 607487.
Primary familial hypertrophic cardiomyopathy (HCM). Identifiers: Orphanet 99739, MedGen C0949658, MeSH D024741, MONDO:0024573. Inheritance: Various modes of inheritance.

Submission:

Labcorp Genetics (formerly Invitae), Labcorp
Classification: Pathogenic for Hypertrophic cardiomyopathy 25; Primary familial hypertrophic cardiomyopathy. Last evaluated: 2025-01-06. Review status: criteria provided, single submitter. Criteria: Invitae Variant Classification Sherloc (09022015). Collection method: clinical testing. Allele origin: germline.
Comment: This sequence change creates a premature translational stop signal (p.Gln46Glufs*3) in the TCAP gene. While this is not anticipated to result in nonsense mediated decay, it is expected to disrupt the last 122 amino acid(s) of the TCAP protein. This variant is not present in population databases (gnomAD no frequency). This variant has not been reported in the literature in individuals affected with TCAP-related conditions. ClinVar contains an entry for this variant (Variation ID: 835598). This variant disrupts a region of the TCAP protein in which other variant(s) (p.Gln53*) have been determined to be pathogenic (PMID: 10655062). This suggests that this is a clinically significant region of the protein, and that variants that disrupt it are likely to be disease-causing. For these reasons, this variant has been classified as Pathogenic.

Literature cited by the submitters: PubMed 10655062.